The following is an entry in ClinVar:

ClinVar aggregate classification (germline): Uncertain significance (1 of 4 stars; one submission).

Conditions:
Dilated cardiomyopathy 1O (CMD1O). Also called: CARDIOMYOPATHY, DILATED, WITH VENTRICULAR TACHYCARDIA. Identifiers: Orphanet 154, MedGen C1837839, MONDO:0012062, OMIM 608569.

Submission:

Labcorp Genetics (formerly Invitae), Labcorp
Classification: Uncertain significance for Dilated cardiomyopathy 1O. Last evaluated: 2025-02-17. Review status: criteria provided, single submitter. Criteria: Invitae Variant Classification Sherloc (09022015). Collection method: clinical testing. Allele origin: germline.
Comment: This sequence change replaces threonine, which is neutral and polar, with serine, which is neutral and polar, at codon 1115 of the ABCC9 protein (p.Thr1115Ser). This variant is not present in population databases (gnomAD no frequency). This variant has not been reported in the literature in individuals affected with ABCC9-related conditions. ClinVar contains an entry for this variant (Variation ID: 2996318). Invitae Evidence Modeling of protein sequence and biophysical properties (such as structural, functional, and spatial information, amino acid conservation, physicochemical variation, residue mobility, and thermodynamic stability) indicates that this missense variant is not expected to disrupt ABCC9 protein function with a negative predictive value of 95%. In summary, the available evidence is currently insufficient to determine the role of this variant in disease. Therefore, it has been classified as a Variant of Uncertain Significance.

NM_020297.4(ABCC9):c.3344C>G (p.Thr1115Ser)

Gene: ABCC9 (ATP binding cassette subfamily C member 9; minus strand). Cytogenetic location: 12p12.1.
Variant type: single nucleotide variant.
Coding change: c.3344C>G on transcript NM_020297.4 (MANE Select); coding-DNA position 3344, C replaced by G.
Protein change: p.Thr1115Ser; replaces threonine 1115 with serine.
Molecular consequence: missense variant.
Genome position (GRCh38, 1-based): chr12:21,842,443, G>C on the plus strand (C>G on the coding strand, the complement: ABCC9 is on the minus strand). VCF-style: chr12-21842443-G-C. GRCh37 (hg19) VCF-style: chr12-21995377-G-C.
Other names: c.3344C>G, p.Thr1115Ser (NM_001377273.1, NM_005691.4); c.2477C>G, p.Thr826Ser (NM_001377274.1); short protein forms T826S, T1115S.
Identifiers: ClinVar variation 2996318 (VCV002996318.3), dbSNP rs2541056138, ClinGen allele CA384141003.